The following is an entry in ClinVar:

ClinVar aggregate classification (germline): Pathogenic (1 of 4 stars; one submission).

Conditions:
Angelman syndrome-like. Identifiers: MedGen CN128785.
Developmental and epileptic encephalopathy, 2 (DEE2). Also called: INFANTILE SPASM SYNDROME, X-LINKED 2; CDKL5 deficiency disorder. Identifiers: Orphanet 1934, Orphanet 3451, Orphanet 505652, MedGen C4750718, MONDO:0010396, OMIM 300672.

Submission:

Labcorp Genetics (formerly Invitae), Labcorp
Classification: Pathogenic for Developmental and epileptic encephalopathy, 2; Angelman syndrome-like. Last evaluated: 2023-07-16. Review status: criteria provided, single submitter. Criteria: Invitae Variant Classification Sherloc (09022015). Collection method: clinical testing. Allele origin: unknown.
Comment: This variant is a gross deletion of the genomic region encompassing exon(s) 5-6 of the CDKL5 gene. This variant would be expected to be in-frame, preserving the integrity of the reading frame. This variant has not been reported in the literature in individuals affected with CDKL5-related conditions. This variant disrupts a region of the CDKL5 protein in which other variant(s) (p.Arg65Pro) have been determined to be pathogenic (PMID: 31313283; Invitae). This suggests that this is a clinically significant region of the protein, and that variants that disrupt it are likely to be disease-causing. For these reasons, this variant has been classified as Pathogenic.

Literature cited by the submitters: PubMed 31313283.

NC_000023.10:g.(?_18593454)_(18598108_?)del

Gene: CDKL5 (cyclin dependent kinase like 5; plus strand). Cytogenetic location: Xp22.13.
Variant type: Deletion.
Identifiers: ClinVar variation 3244315 (VCV003244315.1).